The following is an entry in ClinVar:

ClinVar aggregate classification (germline): Likely benign. Review status: criteria provided, single submitter (1 of 4 stars). 2 submissions from 2 submitters: Likely benign (1). 1 of the submissions does not count toward it. Last evaluated 2024-12-12.

Conditions:
EXT2-related disorder. Also called: EXT2-related condition.
Exostoses, multiple, type 2 (EXT2). Also called: Hereditary Multiple Osteochondromatosis, Type II; EXOSTOSES, MULTIPLE, TYPE II. Identifiers: Orphanet 321, MedGen C1851413, MONDO:0007586, OMIM 133701.

Allele frequency attached by ClinVar (database versions not stated): ExAC 0.00001.
gnomAD v4.1: 2 of 1,614,142 alleles (0.00012%); highest among the groups gnomAD compares: Non-Finnish European, 0.00017%; no homozygotes.

Submissions (2):

Labcorp Genetics (formerly Invitae), Labcorp
Classification: Likely benign for Exostoses, multiple, type 2. Last evaluated: 2024-12-12. Review status: criteria provided, single submitter. Criteria: Invitae Variant Classification Sherloc (09022015). Collection method: clinical testing. Allele origin: germline.

PreventionGenetics, part of Exact Sciences
Classification: Likely benign for EXT2-related condition. Last evaluated: 2021-11-02. Review status: no assertion criteria provided. Collection method: clinical testing. Allele origin: germline. Not counted in ClinVar's aggregate classification.
Comment: This variant is classified as likely benign based on ACMG/AMP sequence variant interpretation guidelines (Richards et al. 2015 PMID: 25741868, with internal and published modifications).

NM_207122.2(EXT2):c.111C>T (p.Leu37=)

Gene: EXT2 (exostosin glycosyltransferase 2; plus strand). Cytogenetic location: 11p11.2.
Variant type: single nucleotide variant.
Coding change: c.111C>T on transcript NM_207122.2 (MANE Select); coding-DNA position 111, C replaced by T.
Protein change: p.Leu37=; no amino-acid change (leucine 37 retained).
Molecular consequence: synonymous variant.
Genome position (GRCh38, 1-based): chr11:44,107,823, C>T. VCF-style: chr11-44107823-C-T. GRCh37 (hg19) VCF-style: chr11-44129373-C-T.
Other names: c.210C>T, p.Leu70= (NM_000401.3); c.111C>T, p.Leu37= (NM_001178083.3, NM_001389628.1, NM_001389630.1).
Identifiers: ClinVar variation 3059248 (VCV003059248.4), dbSNP rs759332687, ClinGen allele CA5954819.